The following is an entry in ClinVar:

ClinVar aggregate classification (germline): Uncertain significance (1 of 4 stars; one submission).

Conditions:
Myofibrillar myopathy 5. Also called: FILAMINOPATHY, AUTOSOMAL DOMINANT; Filaminopathy (type). Identifiers: Orphanet 171445, MedGen C1836050, MONDO:0012289, OMIM 609524.
Hypertrophic cardiomyopathy 26. Also called: Cardiomyopathy, familial hypertrophic, 26. Identifiers: Orphanet 75249, MedGen C4310749, MONDO:0014883, OMIM 617047.
Distal myopathy with posterior leg and anterior hand involvement. Also called: WILLIAMS DISTAL MYOPATHY. Identifiers: Orphanet 63273, MedGen C3279722, MONDO:0013550, OMIM 614065.

Allele frequency attached by ClinVar (database versions not stated): TOPMed 0.00001; ExAC 0.00002.
gnomAD v4.1: 8 of 1,586,650 alleles (0.0005%); highest among the groups gnomAD compares: African/African-American, 0.0013%; no homozygotes.

Submission:

Labcorp Genetics (formerly Invitae), Labcorp
Classification: Uncertain significance for Distal myopathy with posterior leg and anterior hand involvement; Myofibrillar myopathy 5; Hypertrophic cardiomyopathy 26. Last evaluated: 2023-10-13. Review status: criteria provided, single submitter. Criteria: Invitae Variant Classification Sherloc (09022015). Collection method: clinical testing. Allele origin: germline.
Comment: This sequence change replaces alanine, which is neutral and non-polar, with valine, which is neutral and non-polar, at codon 1734 of the FLNC protein (p.Ala1734Val). The frequency data for this variant in the population databases is considered unreliable, as metrics indicate poor data quality at this position in the gnomAD database. This variant has not been reported in the literature in individuals affected with FLNC-related conditions. ClinVar contains an entry for this variant (Variation ID: 1432285). An algorithm developed to predict the effect of missense changes on protein structure and function (PolyPhen-2) suggests that this variant is likely to be tolerated. Algorithms developed to predict the effect of sequence changes on RNA splicing suggest that this variant may create or strengthen a splice site. In summary, the available evidence is currently insufficient to determine the role of this variant in disease. Therefore, it has been classified as a Variant of Uncertain Significance.

NM_001458.5(FLNC):c.5201C>T (p.Ala1734Val)

Gene: FLNC (filamin C; plus strand). Cytogenetic location: 7q32.1.
Variant type: single nucleotide variant.
Coding change: c.5201C>T on transcript NM_001458.5 (MANE Select); coding-DNA position 5201, C replaced by T.
Protein change: p.Ala1734Val; replaces alanine 1734 with valine.
Molecular consequence: missense variant. On other transcripts: intron variant (1).
Genome position (GRCh38, 1-based): chr7:128,849,977, C>T. VCF-style: chr7-128849977-C-T. GRCh37 (hg19) VCF-style: chr7-128490031-C-T.
Other names: c.5199+399C>T (NM_001127487.2); short protein forms A1734V.
Identifiers: ClinVar variation 1432285 (VCV001432285.6), dbSNP rs751149867, ClinGen allele CA4475606.